The following is an entry in ClinVar:

NM_001009944.3(PKD1):c.3006G>A (p.Val1002=)

Gene: PKD1 (polycystin 1, transient receptor potential channel interacting; minus strand). Cytogenetic location: 16p13.3.
Variant type: single nucleotide variant.
Coding change: c.3006G>A on transcript NM_001009944.3 (MANE Select); coding-DNA position 3006, G replaced by A.
Protein change: p.Val1002=; no amino-acid change (valine 1002 retained).
Molecular consequence: synonymous variant.
Genome position (GRCh38, 1-based): chr16:2,112,943, C>T on the plus strand (G>A on the coding strand, the complement: PKD1 is on the minus strand). VCF-style: chr16-2112943-C-T. GRCh37 (hg19) VCF-style: chr16-2162944-C-T.
Other names: c.3006G>A, p.Val1002= (NM_000296.4).
Identifiers: ClinVar variation 3579639 (VCV003579639.2).

ClinVar aggregate classification (germline): Conflicting classifications of pathogenicity. Review status: criteria provided, conflicting classifications (1 of 4 stars). 2 submissions from 2 submitters: Uncertain significance (1); Likely benign (1). Last evaluated 2026-07-02.

Conditions:
PKD1-related disorder. Also called: PKD1-related condition.
Polycystic kidney disease, adult type (PKD1). Also called: Polycystic Kidney Disease 1, Autosomal Dominant; Polycystic kidney disease 1; Polycystic kidney disease 1, severe; Polycystic Kidney, Autosomal Dominant; POLYCYSTIC KIDNEY DISEASE, ADULT, TYPE I; POLYCYSTIC KIDNEY DISEASE 1 WITH OR WITHOUT POLYCYSTIC LIVER DISEASE. Identifiers: MedGen C3149841, MONDO:0008263, OMIM 173900.

gnomAD v4.1: 7 of 1,601,998 alleles (0.00044%); highest among the groups gnomAD compares: East Asian, 0.013%; no homozygotes.

Submissions (2):

PreventionGenetics, part of Exact Sciences
Classification: Likely benign for PKD1-related condition. Last evaluated: 2026-07-02. Review status: criteria provided, single submitter. Criteria: ACMG Guidelines, 2015. Collection method: clinical testing. Allele origin: germline.
Comment: This variant is classified as likely benign based on ACMG/AMP sequence variant interpretation guidelines (Richards et al. 2015 PMID: 25741868, with internal and published modifications).

Fulgent Genetics
Classification: Uncertain significance for Polycystic kidney disease, adult type. Last evaluated: 2024-06-01. Review status: criteria provided, single submitter. Criteria: ACMG Guidelines, 2015. Collection method: clinical testing. Allele origin: germline.